The following is an entry in ClinVar:

NM_001972.4(ELANE):c.343C>A (p.Leu115Ile)

Gene: ELANE (elastase, neutrophil expressed; plus strand). Cytogenetic location: 19p13.3.
Variant type: single nucleotide variant.
Coding change: c.343C>A on transcript NM_001972.4 (MANE Select); coding-DNA position 343, C replaced by A.
Protein change: p.Leu115Ile; replaces leucine 115 with isoleucine.
Molecular consequence: missense variant.
Genome position (GRCh38, 1-based): chr19:853,380, C>A. VCF-style: chr19-853380-C-A. GRCh37 (hg19) VCF-style: chr19-853380-C-A.
Other names: short protein forms L115I.
Identifiers: ClinVar variation 958973 (VCV000958973.13), dbSNP rs761153954, ClinGen allele CA9026004.
Genomic context (GRCh38, chr19:853,380, plus strand): 5'-ACCCGGCAGGTGTTCGCCGTGCAGCGCATCTTCGAAAACGGCTACGACCCCGTAAACTTG[C>A]TCAACGACATCGTGATTCTCCAGGTGCCGCCGGGCGGGGCGGGGGGCGCAGGGGCGGAGG-3'
Protein context (NP_001963.1, residues 105-125): FENGYDPVNL[Leu115Ile]NDIVILQLNG

ClinVar aggregate classification (germline): Uncertain significance. Review status: criteria provided, multiple submitters, no conflicts (2 of 4 stars). 2 submissions from 2 submitters: Uncertain significance (2). Last evaluated 2025-02-14.

Conditions:
Cyclical neutropenia. Also called: Cyclic hematopoiesis; Cyclic Neutropenia. Identifiers: Orphanet 2686, MedGen C0221023, MONDO:0008090, OMIM 162800, HP:0040289. Disease mechanism: loss of function.
Neutropenia, severe congenital, 1, autosomal dominant. Identifiers: MedGen C1859966, MONDO:0042490, OMIM 202700.
Inborn genetic diseases. Identifiers: MedGen C0950123, MeSH D030342.

Allele frequency attached by ClinVar (database versions not stated): ExAC 0.00001; gnomAD 0.00001; TOPMed 0.00002.
gnomAD v4.1: 7 of 1,610,538 alleles (0.00043%); highest among the groups gnomAD compares: Admixed American, 0.0017%; no homozygotes.

Submissions (2):

Ambry Genetics
Classification: Uncertain significance for Inborn genetic diseases. Last evaluated: 2025-02-14. Review status: criteria provided, single submitter. Criteria: Ambry Variant Classification Scheme 2023. Collection method: clinical testing. Allele origin: germline.
Comment: The p.L115I variant (also known as c.343C>A), located in coding exon 3 of the ELANE gene, results from a C to A substitution at nucleotide position 343. The leucine at codon 115 is replaced by isoleucine, an amino acid with highly similar properties. This amino acid position is conserved. In addition, this alteration is predicted to be tolerated by in silico analysis. Based on the available evidence, the clinical significance of this variant remains unclear.

Labcorp Genetics (formerly Invitae), Labcorp
Classification: Uncertain significance for Neutropenia, severe congenital, 1, autosomal dominant; Cyclical neutropenia. Last evaluated: 2024-04-30. Review status: criteria provided, single submitter. Criteria: Invitae Variant Classification Sherloc (09022015). Collection method: clinical testing. Allele origin: germline.
Comment: This sequence change replaces leucine, which is neutral and non-polar, with isoleucine, which is neutral and non-polar, at codon 115 of the ELANE protein (p.Leu115Ile). This variant is present in population databases (rs761153954, gnomAD 0.001%). This variant has not been reported in the literature in individuals affected with ELANE-related conditions. ClinVar contains an entry for this variant (Variation ID: 958973). Advanced modeling of protein sequence and biophysical properties (such as structural, functional, and spatial information, amino acid conservation, physicochemical variation, residue mobility, and thermodynamic stability) performed at Invitae indicates that this missense variant is not expected to disrupt ELANE protein function with a negative predictive value of 80%. In summary, the available evidence is currently insufficient to determine the role of this variant in disease. Therefore, it has been classified as a Variant of Uncertain Significance.